The following is an entry in ClinVar:

ClinVar aggregate classification (germline): Conflicting classifications of pathogenicity. Review status: criteria provided, conflicting classifications (1 of 4 stars). 3 submissions from 3 submitters: Likely pathogenic (1); Uncertain significance (2). Last evaluated 2025-08-21.

Conditions:
Alport syndrome. Also called: Hemorrhagic familial nephritis; Hemorrhagic hereditary nephritis; Congenital hereditary hematuria. Identifiers: Orphanet 63, MedGen C1567741, MONDO:0018965.

gnomAD v4.1: 6 of 1,613,936 alleles (0.00037%); highest among the groups gnomAD compares: Admixed American, 0.0083%; no homozygotes.

Submissions (3):

Natera, Inc.
Classification: Likely pathogenic for Alport syndrome. Last evaluated: 2025-08-21. Review status: criteria provided, single submitter. Criteria: Natera Variant Classification Schema (03/2026). Collection method: clinical testing. Allele origin: germline.
Comment: The c.4208G>A variant in COL4A3 is a missense variant predicted to cause substitution of glycine to glutamic acid at amino acid 1403. This variant is rare in the general population with a frequency below the threshold expected for the associated phenotype(s). This variant is located in a functionally critical region of the protein. Computational prediction algorithms indicate this variant is likely to affect gene or protein function. Given the available evidence, this variant is classified as Likely Pathogenic.

GeneDx
Classification: Uncertain significance. Last evaluated: 2022-11-14. Review status: criteria provided, single submitter. Criteria: GeneDx Variant Classification Process June 2021. Collection method: clinical testing. Allele origin: germline. Affected: yes.
Comment: Reported in a patient in published literature (Shieh et al., 2021); clinical information not provided; In silico analysis supports that this missense variant has a deleterious effect on protein structure/function; Affects a glycine residue in a Gly-X-Y motif in the triple helical region of the COL4A3 gene; This variant is associated with the following publications: (PMID: 34556655)

Labcorp Genetics (formerly Invitae), Labcorp
Classification: Uncertain significance. Last evaluated: 2022-05-28. Review status: criteria provided, single submitter. Criteria: Invitae Variant Classification Sherloc (09022015). Collection method: clinical testing. Allele origin: germline.
Comment: This sequence change replaces glycine, which is neutral and non-polar, with glutamic acid, which is acidic and polar, at codon 1403 of the COL4A3 protein (p.Gly1403Glu). This variant is present in population databases (rs773708527, gnomAD 0.01%). This variant has not been reported in the literature in individuals affected with COL4A3-related conditions. Advanced modeling of protein sequence and biophysical properties (such as structural, functional, and spatial information, amino acid conservation, physicochemical variation, residue mobility, and thermodynamic stability) performed at Invitae indicates that this missense variant is expected to disrupt COL4A3 protein function. In summary, the available evidence is currently insufficient to determine the role of this variant in disease. Therefore, it has been classified as a Variant of Uncertain Significance.

NM_000091.5(COL4A3):c.4208G>A (p.Gly1403Glu)

Genes: COL4A3 (collagen type IV alpha 3 chain; plus strand), MFF-DT (MFF divergent transcript; minus strand). Cytogenetic location: 2q36.3.
Variant type: single nucleotide variant.
Coding change: c.4208G>A on transcript NM_000091.5 (MANE Select); coding-DNA position 4208, G replaced by A.
Protein change: p.Gly1403Glu; replaces glycine 1403 with glutamic acid.
Molecular consequence: missense variant.
Genome position (GRCh38, 1-based): chr2:227,305,039, G>A. VCF-style: chr2-227305039-G-A. GRCh37 (hg19) VCF-style: chr2-228169755-G-A.
Other names: short protein forms G1403E.
Identifiers: ClinVar variation 1929705 (VCV001929705.4), dbSNP rs773708527, ClinGen allele CA2147474.